The following is an entry in ClinVar:

NM_080424.4(SP110):c.1373A>T (p.Asp458Val)

Gene: SP110 (SP110 nuclear body protein; minus strand). Cytogenetic location: 2q37.1.
Variant type: single nucleotide variant.
Coding change: c.1373A>T on transcript NM_080424.4 (MANE Select); coding-DNA position 1373, A replaced by T.
Protein change: p.Asp458Val; replaces aspartic acid 458 with valine.
Molecular consequence: missense variant.
Genome position (GRCh38, 1-based): chr2:230,178,231, T>A on the plus strand (A>T on the coding strand, the complement: SP110 is on the minus strand). VCF-style: chr2-230178231-T-A. GRCh37 (hg19) VCF-style: chr2-231042947-T-A.
Other names: c.1373A>T (NM_004509.3); c.1391A>T, p.Asp464Val (NM_001185015.2, NM_001378442.1, NM_001378444.1 and 2 more transcripts); c.1373A>T, p.Asp458Val (NM_001378443.1, NM_004509.5, NM_004510.4); c.1223A>T, p.Asp408Val (NM_001378447.1); short protein forms D458V, D408V, D464V.
Identifiers: ClinVar variation 1520958 (VCV001520958.9), dbSNP rs754679838, ClinGen allele CA2154515.

ClinVar aggregate classification (germline): Uncertain significance (1 of 4 stars; one submission).

Conditions:
Hepatic veno-occlusive disease-immunodeficiency syndrome. Also called: Hepatic Veno-Occlusive Disease with Immunodeficiency. Identifiers: Orphanet 79124, MedGen C1856128, MONDO:0009338, OMIM 235550. Disease mechanism: loss of function.

Allele frequency attached by ClinVar (database versions not stated): gnomAD exomes below 0.00001; TOPMed below 0.00001; ExAC 0.00001; gnomAD 0.00001.
gnomAD v4.1: 5 of 1,612,362 alleles (0.00031%); highest among the groups gnomAD compares: Non-Finnish European, 0.00042%; no homozygotes.

Submission:

Labcorp Genetics (formerly Invitae), Labcorp
Classification: Uncertain significance for Hepatic veno-occlusive disease-immunodeficiency syndrome. Last evaluated: 2021-01-14. Review status: criteria provided, single submitter. Criteria: Invitae Variant Classification Sherloc (09022015). Collection method: clinical testing. Allele origin: germline.
Comment: This variant is present in population databases (rs754679838, ExAC 0.002%). In summary, the available evidence is currently insufficient to determine the role of this variant in disease. Therefore, it has been classified as a Variant of Uncertain Significance. Algorithms developed to predict the effect of missense changes on protein structure and function are either unavailable or do not agree on the potential impact of this missense change (SIFT: "Deleterious"; PolyPhen-2: "Probably Damaging"; Align-GVGD: "Class C0"). This variant has not been reported in the literature in individuals with SP110-related conditions. This sequence change replaces aspartic acid with valine at codon 458 of the SP110 protein (p.Asp458Val). The aspartic acid residue is moderately conserved and there is a large physicochemical difference between aspartic acid and valine.